The following is an entry in ClinVar:

NM_018297.4(NGLY1):c.334A>C (p.Arg112=)

Gene: NGLY1 (N-glycanase 1; minus strand). Cytogenetic location: 3p24.2.
Variant type: single nucleotide variant.
Coding change: c.334A>C on transcript NM_018297.4 (MANE Select); coding-DNA position 334, A replaced by C.
Protein change: p.Arg112=; no amino-acid change (arginine 112 retained).
Molecular consequence: synonymous variant.
Genome position (GRCh38, 1-based): chr3:25,764,224, T>G on the plus strand (A>C on the coding strand, the complement: NGLY1 is on the minus strand). VCF-style: chr3-25764224-T-G. GRCh37 (hg19) VCF-style: chr3-25805715-T-G.
Other names: c.334A>C, p.Arg112= (NM_001145293.2, NM_001145295.2); c.208A>C, p.Arg70= (NM_001145294.2).
Identifiers: ClinVar variation 474223 (VCV000474223.14), dbSNP rs150281491, ClinGen allele CA2289512.

ClinVar aggregate classification (germline): Likely benign. Review status: criteria provided, multiple submitters, no conflicts (2 of 4 stars). 3 submissions from 3 submitters: Likely benign (2). 1 of the submissions does not count toward it. Last evaluated 2025-12-23.

Conditions:
NGLY1-related disorder. Also called: NGLY1-related condition.
Congenital disorder of deglycosylation (CDDG). Identifiers: MedGen C3808991, MONDO:0031376.

Allele frequency attached by ClinVar (database versions not stated): gnomAD exomes 0.00002 and 0.00011; ExAC 0.00017; 1000 Genomes Project 30x 0.00031; TOPMed 0.00034; 1000 Genomes Project 0.00040; gnomAD 0.00045 and 0.00046; ESP Exome Variant Server 0.00046.
gnomAD v4.1: 101 of 1,614,192 alleles (0.0063%); highest among the groups gnomAD compares: African/African-American, 0.11%; no homozygotes.

Submissions (3):

Labcorp Genetics (formerly Invitae), Labcorp
Classification: Likely benign for Congenital disorder of deglycosylation. Last evaluated: 2025-12-23. Review status: criteria provided, single submitter. Criteria: Invitae Variant Classification Sherloc (09022015). Collection method: clinical testing. Allele origin: germline.

Breakthrough Genomics
Classification: Likely benign. Review status: criteria provided, single submitter. Criteria: ACMG Guidelines, 2015. Collection method: not provided. Allele origin: germline. Inheritance: Autosomal recessive inheritance. Affected: yes.

PreventionGenetics, part of Exact Sciences
Classification: Likely benign for NGLY1-related condition. Last evaluated: 2019-07-23. Review status: no assertion criteria provided. Collection method: clinical testing. Allele origin: germline. Not counted in ClinVar's aggregate classification.
Comment: This variant is classified as likely benign based on ACMG/AMP sequence variant interpretation guidelines (Richards et al. 2015 PMID: 25741868, with internal and published modifications).